The following is an entry in ClinVar:

ClinVar aggregate classification (germline): Likely benign (1 of 4 stars; one submission).

Submission:

CeGaT Center for Human Genetics Tuebingen
Classification: Likely benign. Last evaluated: 2026-05-01. Review status: criteria provided, single submitter. Criteria: CeGaT Center For Human Genetics Tuebingen Variant Classification Criteria Version 2. Collection method: clinical testing. Allele origin: germline. Affected: yes. Observed: 1 variant allele.
Comment: TCTN2: PM2:Supporting, BP4, BP7

NM_024809.5(TCTN2):c.1335C>T (p.Val445=)

Gene: TCTN2 (tectonic family member 2; plus strand). Cytogenetic location: 12q24.31.
Variant type: single nucleotide variant.
Coding change: c.1335C>T on transcript NM_024809.5 (MANE Select); coding-DNA position 1335, C replaced by T.
Protein change: p.Val445=; no amino-acid change (valine 445 retained).
Molecular consequence: synonymous variant.
Genome position (GRCh38, 1-based): chr12:123,696,437, C>T. VCF-style: chr12-123696437-C-T. GRCh37 (hg19) VCF-style: chr12-124180984-C-T.
Other names: c.1332C>T, p.Val444= (NM_001143850.3); c.1200C>T, p.Val400= (NM_001410989.1).
Identifiers: ClinVar variation 4874519 (VCV004874519.2).